The following is an entry in ClinVar:

ClinVar aggregate classification (germline): Conflicting classifications of pathogenicity. Review status: criteria provided, conflicting classifications (1 of 4 stars). 5 submissions from 5 submitters: Uncertain significance (2); Likely benign (3). Last evaluated 2026-08-06.

Conditions:
Developmental and epileptic encephalopathy, 30 (DEE30). Also called: Epileptic encephalopathy, early infantile, 30. Identifiers: MedGen C4225360, MONDO:0014595, OMIM 616341.
Inborn genetic diseases. Identifiers: MedGen C0950123, MeSH D030342.

Allele frequency attached by ClinVar (database versions not stated): gnomAD 0.00032; gnomAD exomes 0.00012; 1000 Genomes Project 0.00020; ExAC 0.00021.

Submissions (5):

OLLIN Analises Genomicas, OLLIN
Classification: Uncertain significance for Developmental and epileptic encephalopathy, 30. Last evaluated: 2026-08-06. Review status: criteria provided, single submitter. Criteria: ACMG Guidelines 2015 PMID 25741868. Collection method: clinical testing. Allele origin: germline. Inheritance: Autosomal dominant inheritance.
Comment: This missense variant, located in exon 14 (of 14), is absent from gnomAD and has not been identified in the literature. However, it has been reported in ClinVar (accession VCV000779814.15). In silico analysis is inconclusive regarding the impact of this variant. According to the currently available evidence, this variant has been classified as uncertain significance (PM2_P).

Labcorp Genetics (formerly Invitae), Labcorp
Classification: Likely benign for Developmental and epileptic encephalopathy, 30. Last evaluated: 2025-12-22. Review status: criteria provided, single submitter. Criteria: Invitae Variant Classification Sherloc (09022015). Collection method: clinical testing. Allele origin: germline.

Mayo Clinic Laboratories, Mayo Clinic
Classification: Likely benign. Last evaluated: 2025-11-23. Review status: criteria provided, single submitter. Criteria: ACMG Guidelines, 2015. Collection method: clinical testing. Allele origin: germline. Observed: 1 variant allele.
Comment: BS1, BS2

Ambry Genetics
Classification: Likely benign for Inborn genetic diseases. Last evaluated: 2023-12-16. Review status: criteria provided, single submitter. Criteria: Ambry Variant Classification Scheme 2023. Collection method: clinical testing. Allele origin: germline.

Revvity Omics, Revvity
Classification: Uncertain significance for Developmental and epileptic encephalopathy, 30. Last evaluated: 2019-10-19. Review status: criteria provided, single submitter. Criteria: ACMG Guidelines, 2015. Collection method: clinical testing. Allele origin: germline.

NM_173354.5(SIK1):c.2159C>T (p.Pro720Leu)

Gene: SIK1 (salt inducible kinase 1; minus strand). Cytogenetic location: 21q22.3.
Variant type: single nucleotide variant.
Coding change: c.2159C>T on transcript NM_173354.5 (MANE Select); coding-DNA position 2159, C replaced by T.
Protein change: p.Pro720Leu; replaces proline 720 with leucine.
Molecular consequence: missense variant.
Genome position (GRCh38, 1-based): chr21:43,416,935, G>A on the plus strand (C>T on the coding strand, the complement: SIK1 is on the minus strand). VCF-style: chr21-43416935-G-A. GRCh37 (hg19) VCF-style: chr21-44836815-G-A.
Other names: p.Pro720Leu; short protein forms P720L.
Identifiers: ClinVar variation 779814 (VCV000779814.16), dbSNP rs547049916, ClinGen allele CA321324392.